The following is an entry in ClinVar:

ClinVar aggregate classification (germline): Uncertain significance (1 of 4 stars; one submission).

Conditions:
Amyotrophic lateral sclerosis type 21. Also called: VOCAL CORD AND PHARYNGEAL DYSFUNCTION WITH DISTAL MYOPATHY; MYOPATHY, DISTAL, 2. Identifiers: Orphanet 600, Orphanet 803, MedGen C3807521, MONDO:0011632, OMIM 606070.

Submission:

Laboratorio de Genetica e Diagnostico Molecular, Hospital Israelita Albert Einstein
Classification: Uncertain significance for Amyotrophic lateral sclerosis type 21. Last evaluated: 2025-03-28. Review status: criteria provided, single submitter. Criteria: ACMG Guidelines, 2015. Collection method: clinical testing. Allele origin: germline. Affected: yes.
Comment: ACMG classification criteria: PM2 supporting, PP2 supporting, BP4 supporting

NM_018834.6(MATR3):c.2114G>A (p.Ser705Asn)

Genes: MATR3 (matrin 3; plus strand), LOC126807526 (CDK7 strongly-dependent group 2 enhancer GRCh37_chr5:138657767-138658966; plus strand). Cytogenetic location: 5q31.2.
Variant type: single nucleotide variant.
Coding change: c.2114G>A on transcript NM_018834.6 (MANE Select); coding-DNA position 2114, G replaced by A.
Protein change: p.Ser705Asn; replaces serine 705 with asparagine.
Molecular consequence: missense variant.
Genome position (GRCh38, 1-based): chr5:139,322,933, G>A. VCF-style: chr5-139322933-G-A. GRCh37 (hg19) VCF-style: chr5-138658622-G-A.
Other names: c.2114G>A, p.Ser705Asn (NM_001194954.2, NM_001194955.2, NM_001400441.1 and 16 more transcripts); c.1250G>A, p.Ser417Asn (NM_001194956.2); c.1100G>A, p.Ser367Asn (NM_001282278.2, NM_001400460.1, NM_001400462.1 and 5 more transcripts); c.1214G>A, p.Ser405Asn (NM_001400461.1); c.1253G>A, p.Ser418Asn (NM_001400459.1); short protein forms S367N, S405N, S417N, S418N, S705N.
Identifiers: ClinVar variation 4056606 (VCV004056606.1).